The following is an entry in ClinVar:

NM_000245.4(MET):c.2972C>T (p.Pro991Leu)

Gene: MET (MET proto-oncogene, receptor tyrosine kinase; plus strand). Cytogenetic location: 7q31.2.
Variant type: single nucleotide variant.
Coding change: c.2972C>T on transcript NM_000245.4 (MANE Select); coding-DNA position 2972, C replaced by T.
Protein change: p.Pro991Leu; replaces proline 991 with leucine.
Molecular consequence: missense variant.
Genome position (GRCh38, 1-based): chr7:116,771,933, C>T. VCF-style: chr7-116771933-C-T. GRCh37 (hg19) VCF-style: chr7-116411987-C-T.
Other names: c.3026C>T, p.Pro1009Leu (NM_001127500.3); c.1682C>T, p.Pro561Leu (NM_001324402.2); short protein forms P1009L, P561L, P991L.
Identifiers: ClinVar variation 3232964 (VCV003232964.1), dbSNP rs2116996927, ClinGen allele CA368987272.

ClinVar aggregate classification (germline): Uncertain significance (1 of 4 stars; one submission).

Conditions:
Hereditary cancer-predisposing syndrome. Also called: Neoplastic Syndromes, Hereditary; Tumor predisposition; Hereditary neoplastic syndrome; Hereditary Cancer Syndrome. Identifiers: Orphanet 140162, MedGen C0027672, MeSH D009386, MONDO:0015356.

Allele frequency attached by ClinVar (database versions not stated): gnomAD exomes below 0.00001.
gnomAD v4.1: 1 of 1,613,874 alleles (0.000062%); highest among the groups gnomAD compares: Non-Finnish European, 0.000085%; no homozygotes.

Submission:

Ambry Genetics
Classification: Uncertain significance for Hereditary cancer-predisposing syndrome. Last evaluated: 2023-10-25. Review status: criteria provided, single submitter. Criteria: Ambry Variant Classification Scheme 2023. Collection method: clinical testing. Allele origin: germline.
Comment: The p.P1009L variant (also known as c.3026C>T), located in coding exon 13 of the MET gene, results from a C to T substitution at nucleotide position 3026. The proline at codon 1009 is replaced by leucine, an amino acid with similar properties. This amino acid position is conserved. In addition, the in silico prediction for this alteration is inconclusive. Since supporting evidence is limited at this time, the clinical significance of this alteration remains unclear.